The following is an entry in ClinVar:

NM_004820.5(CYP7B1):c.819del (p.Lys273fs)

Gene: CYP7B1 (cytochrome P450 family 7 subfamily B member 1; minus strand). Cytogenetic location: 8q12.3.
Variant type: Deletion.
Coding change: c.819del on transcript NM_004820.5 (MANE Select); coding-DNA position 819, one base deleted (A; older notation c.819delA).
Protein change: p.Lys273fs; shifts the reading frame from lysine 273.
Molecular consequence: frameshift variant.
Genome position (GRCh38, 1-based): chr8:64,615,722, T deleted on the plus strand (A on the coding strand, the reverse complement: CYP7B1 is on the minus strand); the first of 3 consecutive T bases (chr8:64,615,722-64,615,724); deleting any one gives the same sequence. VCF-style (leftmost placement, unchanged base first): chr8-64615721-AT-A. GRCh37 (hg19) VCF-style: chr8-65528278-AT-A.
Other names: c.819del, p.Lys273fs (NM_001324112.2); short protein forms K273fs.
Identifiers: ClinVar variation 4998314 (VCV004998314.1).

ClinVar aggregate classification (germline): Pathogenic (1 of 4 stars; one submission).

Conditions:
CYP7B1-related disorder. Also called: CYP7B1-related condition.

Submission:

PreventionGenetics, part of Exact Sciences
Classification: Pathogenic for CYP7B1-related condition. Last evaluated: 2025-05-15. Review status: criteria provided, single submitter. Criteria: ACMG Guidelines, 2015. Collection method: clinical testing. Allele origin: germline.
Comment: The CYP7B1 c.819delA variant is predicted to result in a frameshift and premature protein termination (p.Lys273Asnfs*10). To our knowledge, this variant has not been reported in the literature or in a large population database (gnomAD), indicating this variant is rare. Frameshift variants in CYP7B1 are expected to be pathogenic. This variant is interpreted as pathogenic.